The following is an entry in ClinVar:

ClinVar aggregate classification (germline): Uncertain significance (1 of 4 stars; one submission).

Conditions:
Inborn genetic diseases. Identifiers: MedGen C0950123, MeSH D030342.

gnomAD v4.1: 1 of 1,614,104 alleles (0.000062%); highest among the groups gnomAD compares: Non-Finnish European, 0.000085%; no homozygotes.

Submission:

Ambry Genetics
Classification: Uncertain significance for Inborn genetic diseases. Last evaluated: 2025-12-15. Review status: criteria provided, single submitter. Criteria: Ambry Variant Classification Scheme 2023. Collection method: clinical testing. Allele origin: germline.
Comment: The p.H343Y variant (also known as c.1027C>T), located in coding exon 6 of the ERCC6L2 gene, results from a C to T substitution at nucleotide position 1027. The histidine at codon 343 is replaced by tyrosine, an amino acid with similar properties. This amino acid position is conserved. In addition, this alteration is predicted to be deleterious by in silico analysis. Based on the available evidence, the clinical significance of this variant remains unclear.

NM_020207.7(ERCC6L2):c.1027C>T (p.His343Tyr)

Gene: ERCC6L2 (ERCC excision repair 6 like 2; plus strand). Cytogenetic location: 9q22.32.
Variant type: single nucleotide variant.
Coding change: c.1027C>T on transcript NM_020207.7 (MANE Select); coding-DNA position 1027, C replaced by T.
Protein change: p.His343Tyr; replaces histidine 343 with tyrosine.
Molecular consequence: missense variant. On other transcripts: non-coding transcript variant (1).
Genome position (GRCh38, 1-based): chr9:95,916,303, C>T. VCF-style: chr9-95916303-C-T. GRCh37 (hg19) VCF-style: chr9-98678585-C-T.
Other names: c.1027C>T, p.His343Tyr (NM_001010895.4, NM_001375291.1, NM_001375292.1 and 2 more transcripts); short protein forms H343Y.
Identifiers: ClinVar variation 4844037 (VCV004844037.1).